The following is an entry in ClinVar:

NM_002528.7(NTHL1):c.83C>T (p.Pro28Leu)

Gene: NTHL1 (nth like DNA glycosylase 1; minus strand). Cytogenetic location: 16p13.3.
Variant type: single nucleotide variant.
Coding change: c.83C>T on transcript NM_002528.7 (MANE Select); coding-DNA position 83, C replaced by T.
Protein change: p.Pro28Leu; replaces proline 28 with leucine.
Molecular consequence: missense variant. On other transcripts: 5 prime UTR variant (1).
Genome position (GRCh38, 1-based): chr16:2,047,741, G>A on the plus strand (C>T on the coding strand, the complement: NTHL1 is on the minus strand). VCF-style: chr16-2047741-G-A. GRCh37 (hg19) VCF-style: chr16-2097742-G-A.
Other names: c.83C>T, p.Pro28Leu (NM_001318193.2); c.-96C>T (NM_001318194.2); short protein forms P28L.
Identifiers: ClinVar variation 3408206 (VCV003408206.2).

ClinVar aggregate classification (germline): Uncertain significance. Review status: criteria provided, multiple submitters, no conflicts (2 of 4 stars). 2 submissions from 2 submitters: Uncertain significance (2). Last evaluated 2025-02-16.

Conditions:
Hereditary cancer-predisposing syndrome. Also called: Neoplastic Syndromes, Hereditary; Tumor predisposition; Hereditary Cancer Syndrome; Hereditary neoplastic syndrome. Identifiers: Orphanet 140162, MedGen C0027672, MeSH D009386, MONDO:0015356.

Submissions (2):

Labcorp Genetics (formerly Invitae), Labcorp
Classification: Uncertain significance. Last evaluated: 2025-02-16. Review status: criteria provided, single submitter. Criteria: Invitae Variant Classification Sherloc (09022015). Collection method: clinical testing. Allele origin: germline.
Comment: This sequence change replaces proline, which is neutral and non-polar, with leucine, which is neutral and non-polar, at codon 36 of the NTHL1 protein (p.Pro36Leu). This variant is not present in population databases (gnomAD no frequency). This variant has not been reported in the literature in individuals affected with NTHL1-related conditions. ClinVar contains an entry for this variant (Variation ID: 3408206). An algorithm developed to predict the effect of missense changes on protein structure and function outputs the following: PolyPhen-2: "Benign". The leucine amino acid residue is found in multiple mammalian species, which suggests that this missense change does not adversely affect protein function. In summary, the available evidence is currently insufficient to determine the role of this variant in disease. Therefore, it has been classified as a Variant of Uncertain Significance.

Ambry Genetics
Classification: Uncertain significance for Hereditary cancer-predisposing syndrome. Last evaluated: 2024-07-23. Review status: criteria provided, single submitter. Criteria: Ambry Variant Classification Scheme 2023. Collection method: clinical testing. Allele origin: germline.
Comment: The p.P36L variant (also known as c.107C>T), located in coding exon 1 of the NTHL1 gene, results from a C to T substitution at nucleotide position 107. The proline at codon 36 is replaced by leucine, an amino acid with similar properties. This amino acid position is conserved. In addition, this alteration is predicted to be tolerated by in silico analysis. Based on the available evidence, the clinical significance of this variant remains unclear.